The following is an entry in ClinVar:

NM_007194.4(CHEK2):c.77C>T (p.Thr26Ile)

Gene: CHEK2 (checkpoint kinase 2; minus strand). Cytogenetic location: 22q12.1.
Variant type: single nucleotide variant.
Coding change: c.77C>T on transcript NM_007194.4 (MANE Select); coding-DNA position 77, C replaced by T.
Protein change: p.Thr26Ile; replaces threonine 26 with isoleucine.
Molecular consequence: missense variant.
Genome position (GRCh38, 1-based): chr22:28,734,645, G>A on the plus strand (C>T on the coding strand, the complement: CHEK2 is on the minus strand). VCF-style: chr22-28734645-G-A. GRCh37 (hg19) VCF-style: chr22-29130633-G-A.
Other names: c.77C>T, p.Thr26Ile (NM_001005735.3, NM_001349956.3, NM_145862.3); c.-701C>T (NM_001257387.3); short protein forms T26I.
Identifiers: ClinVar variation 1760680 (VCV001760680.6), dbSNP rs878854923, ClinGen allele CA411091650.
Genomic context (GRCh38, chr22:28,734,645, plus strand): 5'-ATCGTGCTGGTAGAGGAGCTGGATATGCCCTGGGACTGTGAGGAGGAGCCTTGGGACTGG[G>A]TAACGCTGCCATGGGGCTGTGAACAGGCACTGCTGCCATGAGACTGCTGAGCCTCAACAT-3'
Protein context (NP_009125.1, residues 16-36): SACSQPHGSV[Thr26Ile]QSQGSSSQSQ

ClinVar aggregate classification (germline): Uncertain significance. Review status: criteria provided, multiple submitters, no conflicts (2 of 4 stars). 3 submissions from 3 submitters: Uncertain significance (3). Last evaluated 2025-12-16.

Conditions:
Hereditary cancer-predisposing syndrome. Also called: Neoplastic Syndromes, Hereditary; Tumor predisposition; Hereditary Cancer Syndrome; Hereditary neoplastic syndrome. Identifiers: Orphanet 140162, MedGen C0027672, MeSH D009386, MONDO:0015356.
Familial cancer of breast. Also called: Hereditary breast cancer; BREAST CANCER, FAMILIAL; hereditary breast carcinoma. Identifiers: Orphanet 227535, MedGen C0346153, MONDO:0016419, OMIM 114480. Disease mechanism: loss of function.

Allele frequency attached by ClinVar (database versions not stated): gnomAD exomes below 0.00001.
gnomAD v4.1: 1 of 1,613,992 alleles (0.000062%); highest among the groups gnomAD compares: Non-Finnish European, 0.000085%; no homozygotes.

Submissions (3):

Color Diagnostics, LLC DBA Color Health
Classification: Uncertain significance for Hereditary cancer-predisposing syndrome. Last evaluated: 2025-12-16. Review status: criteria provided, single submitter. Criteria: ACMG Guidelines, 2015. Collection method: clinical testing. Allele origin: germline.
Comment: This missense variant replaces threonine with isoleucine at codon 26 of the CHEK2 protein. Computational prediction suggests that this variant may not impact protein structure and function. To our knowledge, functional studies have not been reported for this variant. This variant has not been reported in individuals affected with CHEK2-related disorders in the literature. This variant has been identified in 1/1613992 chromosomes in the general population by the Genome Aggregation Database (gnomAD). The available evidence is insufficient to determine the role of this variant in disease conclusively. Therefore, this variant is classified as a Variant of Uncertain Significance.

Labcorp Genetics (formerly Invitae), Labcorp
Classification: Uncertain significance for Familial cancer of breast. Last evaluated: 2023-06-27. Review status: criteria provided, single submitter. Criteria: Invitae Variant Classification Sherloc (09022015). Collection method: clinical testing. Allele origin: germline.
Comment: This sequence change replaces threonine, which is neutral and polar, with isoleucine, which is neutral and non-polar, at codon 26 of the CHEK2 protein (p.Thr26Ile). This variant is not present in population databases (gnomAD no frequency). In summary, the available evidence is currently insufficient to determine the role of this variant in disease. Therefore, it has been classified as a Variant of Uncertain Significance. An algorithm developed to predict the effect of missense changes on protein structure and function (PolyPhen-2) suggests that this variant is likely to be tolerated. ClinVar contains an entry for this variant (Variation ID: 1760680). This variant has not been reported in the literature in individuals affected with CHEK2-related conditions.

Ambry Genetics
Classification: Uncertain significance for Hereditary cancer-predisposing syndrome. Last evaluated: 2022-02-16. Review status: criteria provided, single submitter. Criteria: Ambry Variant Classification Scheme 2023. Collection method: clinical testing. Allele origin: germline.
Comment: The p.T26I variant (also known as c.77C>T), located in coding exon 1 of the CHEK2 gene, results from a C to T substitution at nucleotide position 77. The threonine at codon 26 is replaced by isoleucine, an amino acid with similar properties. This amino acid position is poorly conserved in available vertebrate species. In addition, this alteration is predicted to be tolerated by in silico analysis. Since supporting evidence is limited at this time, the clinical significance of this alteration remains unclear.